The following is an entry in ClinVar:

NM_001079668.3(NKX2-1):c.572G>C (p.Arg191Pro)

Genes: NKX2-1 (NK2 homeobox 1; minus strand), SFTA3 (surfactant associated 3; minus strand). Cytogenetic location: 14q13.3.
Variant type: single nucleotide variant.
Coding change: c.572G>C on transcript NM_001079668.3 (MANE Select); coding-DNA position 572, G replaced by C.
Protein change: p.Arg191Pro; replaces arginine 191 with proline.
Molecular consequence: missense variant.
Genome position (GRCh38, 1-based): chr14:36,517,912, C>G on the plus strand (G>C on the coding strand, the complement: NKX2-1 is on the minus strand). VCF-style: chr14-36517912-C-G. GRCh37 (hg19) VCF-style: chr14-36987117-C-G.
Other names: c.482G>C, p.Arg161Pro (NM_003317.4); short protein forms R161P, R191P.
Identifiers: ClinVar variation 3573845 (VCV003573845.1).
Genomic context (GRCh38, chr14:36,517,912, plus strand): 5'-TTGAAGCGTCGCTCCAGCTCGTACACCTGCGCCTGCGAGAAGAGCACCCGGCGCTTCCTG[C>G]GCGGCGCGCTTGGCAGCGGGGCCATGTTCTTGCTCACGTCCCCCAGCGAGCCCAGGCCGC-3'
Protein context (NP_001073136.1, residues 181-201): KNMAPLPSAP[Arg191Pro]RKRRVLFSQA

ClinVar aggregate classification (germline): Uncertain significance (1 of 4 stars; one submission).

Submission:

GeneDx
Classification: Uncertain significance. Last evaluated: 2024-07-19. Review status: criteria provided, single submitter. Criteria: GeneDx Variant Classification Process June 2021. Collection method: clinical testing. Allele origin: germline. Affected: yes.
Comment: Not observed at significant frequency in large population cohorts (gnomAD); In silico analysis supports that this missense variant has a deleterious effect on protein structure/function; Has not been previously published as pathogenic or benign to our knowledge